The following is an entry in ClinVar:

ClinVar aggregate classification (germline): Conflicting classifications of pathogenicity. Review status: criteria provided, conflicting classifications (1 of 4 stars). 3 submissions from 3 submitters: Uncertain significance (2); Likely benign (1). Last evaluated 2025-04-13.

Conditions:
Inborn genetic diseases. Identifiers: MedGen C0950123, MeSH D030342.

Allele frequency attached by ClinVar (database versions not stated): gnomAD 0.00001; gnomAD exomes 0.00001 and 0.00002; ExAC 0.00002; TOPMed 0.00002.
gnomAD v4.1: 22 of 1,613,960 alleles (0.0014%); highest among the groups gnomAD compares: African/African-American, 0.0027%; no homozygotes.

Submissions (3):

Ambry Genetics
Classification: Likely benign for Inborn genetic diseases. Last evaluated: 2025-04-13. Review status: criteria provided, single submitter. Criteria: Ambry Variant Classification Scheme 2023. Collection method: clinical testing. Allele origin: germline.

Labcorp Genetics (formerly Invitae), Labcorp
Classification: Uncertain significance. Last evaluated: 2024-10-13. Review status: criteria provided, single submitter. Criteria: Invitae Variant Classification Sherloc (09022015). Collection method: clinical testing. Allele origin: germline.
Comment: This sequence change replaces valine, which is neutral and non-polar, with methionine, which is neutral and non-polar, at codon 315 of the KCNH1 protein (p.Val315Met). This variant is present in population databases (rs769601481, gnomAD 0.01%). This variant has not been reported in the literature in individuals affected with KCNH1-related conditions. ClinVar contains an entry for this variant (Variation ID: 1412510). Invitae Evidence Modeling of protein sequence and biophysical properties (such as structural, functional, and spatial information, amino acid conservation, physicochemical variation, residue mobility, and thermodynamic stability) has been performed for this missense variant. However, the output from this modeling did not meet the statistical confidence thresholds required to predict the impact of this variant on KCNH1 protein function. In summary, the available evidence is currently insufficient to determine the role of this variant in disease. Therefore, it has been classified as a Variant of Uncertain Significance.

CeGaT Center for Human Genetics Tuebingen
Classification: Uncertain significance. Last evaluated: 2023-01-01. Review status: criteria provided, single submitter. Criteria: CeGaT Center For Human Genetics Tuebingen Variant Classification Criteria Version 2. Collection method: clinical testing. Allele origin: germline. Affected: yes. Observed: 1 variant allele.
Comment: KCNH1: PP2, PP3

NM_172362.3(KCNH1):c.943G>A (p.Val315Met)

Gene: KCNH1 (potassium voltage-gated channel subfamily H member 1; minus strand). Cytogenetic location: 1q32.2.
Variant type: single nucleotide variant.
Coding change: c.943G>A on transcript NM_172362.3 (MANE Select); coding-DNA position 943, G replaced by A.
Protein change: p.Val315Met; replaces valine 315 with methionine.
Molecular consequence: missense variant.
Genome position (GRCh38, 1-based): chr1:211,018,872, C>T on the plus strand (G>A on the coding strand, the complement: KCNH1 is on the minus strand). VCF-style: chr1-211018872-C-T. GRCh37 (hg19) VCF-style: chr1-211192214-C-T.
Other names: c.943G>A (NM_172362.2); c.943G>A, p.Val315Met (NM_002238.4); short protein forms V315M.
Identifiers: ClinVar variation 1412510 (VCV001412510.29), dbSNP rs769601481, ClinGen allele CA1379946.